The following is an entry in ClinVar:

ClinVar aggregate classification (germline): Uncertain significance (1 of 4 stars; one submission).

Conditions:
Hereditary pheochromocytoma and paraganglioma. Also called: Hereditary paragangliomas and pheochromocytomas; Hereditary Paraganglioma-Pheochromocytoma Syndromes; Hereditary pheochromocytoma-paraganglioma. Identifiers: Orphanet 29072, MedGen C4274332, MONDO:0017366.

Submission:

Labcorp Genetics (formerly Invitae), Labcorp
Classification: Uncertain significance for Hereditary pheochromocytoma and paraganglioma. Last evaluated: 2025-06-02. Review status: criteria provided, single submitter. Criteria: Invitae Variant Classification Sherloc (09022015). Collection method: clinical testing. Allele origin: germline.
Comment: This sequence change replaces glutamine, which is neutral and polar, with histidine, which is basic and polar, at codon 26 of the TMEM127 protein (p.Gln26His). This variant is not present in population databases (gnomAD no frequency). This variant has not been reported in the literature in individuals affected with TMEM127-related conditions. ClinVar contains an entry for this variant (Variation ID: 2844392). An algorithm developed to predict the effect of missense changes on protein structure and function (PolyPhen-2) suggests that this variant is likely to be disruptive. In summary, the available evidence is currently insufficient to determine the role of this variant in disease. Therefore, it has been classified as a Variant of Uncertain Significance.

NM_017849.4(TMEM127):c.78G>T (p.Gln26His)

Genes: TMEM127 (transmembrane protein 127; minus strand), LOC129934333 (ATAC-STARR-seq lymphoblastoid silent region 11759; plus strand). Cytogenetic location: 2q11.2.
Variant type: single nucleotide variant.
Coding change: c.78G>T on transcript NM_017849.4 (MANE Select); coding-DNA position 78, G replaced by T.
Protein change: p.Gln26His; replaces glutamine 26 with histidine.
Molecular consequence: missense variant. On other transcripts: intron variant (1).
Genome position (GRCh38, 1-based): chr2:96,265,304, C>A on the plus strand (G>T on the coding strand, the complement: TMEM127 is on the minus strand). VCF-style: chr2-96265304-C-A. GRCh37 (hg19) VCF-style: chr2-96931042-C-A.
Other names: c.78G>T, p.Gln26His (NM_001193304.3); c.-9+565G>T (NM_001407283.1); short protein forms Q26H.
Identifiers: ClinVar variation 2844392 (VCV002844392.3), dbSNP rs2467285886, ClinGen allele CA347656157.
Genomic context (GRCh38, chr2:96,265,304, plus strand): 5'-AGTGCACAGCGCCGTGATAGACAGGGCGCCAGGCAGGGCCGAGGCCAGGCTACGCTCCGG[C>A]TGCTTGGGCAGAGCGCTGCCTCCCGGGCTCCTCCGCCGGCGCCCGCCGGGCAGCCCTGCG-3'
Protein context (NP_060319.1, residues 16-36): RSPGGSALPK[Gln26His]PERSLASALP